The following is an entry in ClinVar:

ClinVar aggregate classification (germline): Uncertain significance. Review status: criteria provided, multiple submitters, no conflicts (2 of 4 stars). 4 submissions from 4 submitters: Uncertain significance (4). Last evaluated 2025-07-24.

Conditions:
Autosomal recessive ataxia, Beauce type. Also called: SYNE1-Related Autosomal Recessive Cerebellar Ataxia; Spinocerebellar ataxia, autosomal recessive 8; SYNE1 Deficiency; ATAXIA, RECESSIVE, OF BEAUCE. Identifiers: Orphanet 88644, MedGen C1853116, MONDO:0012549, OMIM 610743.
Emery-Dreifuss muscular dystrophy 4, autosomal dominant (EDMD4). Also called: EMERY-DREIFUSS MUSCULAR DYSTROPHY 4 WITH VARIABLE FEATURES. Identifiers: Orphanet 261, MedGen C2751807, MONDO:0013071, OMIM 612998.

gnomAD v4.1: 15 of 1,614,010 alleles (0.00093%); highest among the groups gnomAD compares: Non-Finnish European, 0.0013%; no homozygotes.

Submissions (4):

Women's Health and Genetics/Laboratory Corporation of America, LabCorp
Classification: Uncertain significance. Last evaluated: 2025-07-24. Review status: criteria provided, single submitter. Criteria: LabCorp Variant Classification Summary - May 2015. Collection method: clinical testing. Allele origin: germline.
Comment: Variant summary: SYNE1 c.8381C>G (p.Thr2794Arg) results in a non-conservative amino acid change in the encoded protein sequence. Algorithms developed to predict the effect of missense changes on protein structure and function are either unavailable or do not agree on the potential impact of this missense change. The variant allele was found at a frequency of 1.6e-05 in 251076 control chromosomes. The available data on variant occurrences in the general population are insufficient to allow any conclusion about variant significance. To our knowledge, no occurrence of c.8381C>G in individuals affected with Autosomal recessive ataxia, Beauce type and no experimental evidence demonstrating its impact on protein function have been reported. ClinVar contains an entry for this variant (Variation ID: 2436541). Based on the evidence outlined above, the variant was classified as uncertain significance.

GeneDx
Classification: Uncertain significance. Last evaluated: 2025-04-15. Review status: criteria provided, single submitter. Criteria: GeneDx Variant Classification Process June 2021. Collection method: clinical testing. Allele origin: germline.
Comment: Not observed at significant frequency in large population cohorts (gnomAD); In silico analysis supports that this missense variant has a deleterious effect on protein structure/function; Has not been previously published as pathogenic or benign to our knowledge

Labcorp Genetics (formerly Invitae), Labcorp
Classification: Uncertain significance for Emery-Dreifuss muscular dystrophy 4, autosomal dominant; Autosomal recessive ataxia, Beauce type. Last evaluated: 2024-01-04. Review status: criteria provided, single submitter. Criteria: Invitae Variant Classification Sherloc (09022015). Collection method: clinical testing. Allele origin: germline.
Comment: This sequence change replaces threonine, which is neutral and polar, with arginine, which is basic and polar, at codon 2794 of the SYNE1 protein (p.Thr2794Arg). This variant is present in population databases (rs142676206, gnomAD 0.004%). This variant has not been reported in the literature in individuals affected with SYNE1-related conditions. ClinVar contains an entry for this variant (Variation ID: 2436541). An algorithm developed to predict the effect of missense changes on protein structure and function (PolyPhen-2) suggests that this variant is likely to be tolerated. In summary, the available evidence is currently insufficient to determine the role of this variant in disease. Therefore, it has been classified as a Variant of Uncertain Significance.

Revvity Omics, Revvity
Classification: Uncertain significance. Last evaluated: 2019-10-22. Review status: criteria provided, single submitter. Criteria: ACMG Guidelines, 2015. Collection method: clinical testing. Allele origin: germline.

NM_182961.4(SYNE1):c.8360C>G (p.Thr2787Arg)

Gene: SYNE1 (spectrin repeat containing nuclear envelope protein 1; minus strand). Cytogenetic location: 6q25.2.
Variant type: single nucleotide variant.
Coding change: c.8360C>G on transcript NM_182961.4 (MANE Select); coding-DNA position 8360, C replaced by G.
Protein change: p.Thr2787Arg; replaces threonine 2787 with arginine.
Molecular consequence: missense variant.
Genome position (GRCh38, 1-based): chr6:152,387,199, G>C on the plus strand (C>G on the coding strand, the complement: SYNE1 is on the minus strand). VCF-style: chr6-152387199-G-C. GRCh37 (hg19) VCF-style: chr6-152708334-G-C.
Other names: c.8381C>G, p.Thr2794Arg (NM_033071.5); short protein forms T2787R, T2794R.
Identifiers: ClinVar variation 2436541 (VCV002436541.9), dbSNP rs142676206, ClinGen allele CA4057567.